The following is an entry in ClinVar:

ClinVar aggregate classification (germline): Uncertain significance. Review status: criteria provided, multiple submitters, no conflicts (2 of 4 stars). 2 submissions from 2 submitters: Uncertain significance (2). Last evaluated 2026-06-14.

Conditions:
CREBBP-related disorder. Also called: CREBBP-related condition; CREBBP-related disorders.
Rubinstein-Taybi syndrome (RSTS). Identifiers: Orphanet 783, MedGen C0035934, MONDO:0019188.

Submissions (2):

PreventionGenetics, part of Exact Sciences
Classification: Uncertain significance for CREBBP-related condition. Last evaluated: 2026-06-14. Review status: criteria provided, single submitter. Criteria: ACMG Guidelines, 2015. Collection method: clinical testing. Allele origin: germline.
Comment: The CREBBP c.61G>A variant is predicted to result in the amino acid substitution p.Gly21Ser. To our knowledge, this variant has not been reported in the literature or in a large population database (gnomAD), indicating this variant is rare. At this time, the clinical significance of this variant is uncertain due to the absence of conclusive functional and genetic evidence.

Labcorp Genetics (formerly Invitae), Labcorp
Classification: Uncertain significance for Rubinstein-Taybi syndrome. Last evaluated: 2022-12-26. Review status: criteria provided, single submitter. Criteria: Invitae Variant Classification Sherloc (09022015). Collection method: clinical testing. Allele origin: germline.
Comment: This variant is not present in population databases (gnomAD no frequency). This sequence change replaces glycine, which is neutral and non-polar, with serine, which is neutral and polar, at codon 21 of the CREBBP protein (p.Gly21Ser). This variant has not been reported in the literature in individuals affected with CREBBP-related conditions. Advanced modeling of protein sequence and biophysical properties (such as structural, functional, and spatial information, amino acid conservation, physicochemical variation, residue mobility, and thermodynamic stability) has been performed at Invitae for this missense variant, however the output from this modeling did not meet the statistical confidence thresholds required to predict the impact of this variant on CREBBP protein function. In summary, the available evidence is currently insufficient to determine the role of this variant in disease. Therefore, it has been classified as a Variant of Uncertain Significance.

NM_004380.3(CREBBP):c.61G>A (p.Gly21Ser)

Genes: CREBBP (CREB binding lysine acetyltransferase; minus strand), LOC130058357 (ATAC-STARR-seq lymphoblastoid silent region 7141; plus strand). Cytogenetic location: 16p13.3.
Variant type: single nucleotide variant.
Coding change: c.61G>A on transcript NM_004380.3 (MANE Select); coding-DNA position 61, G replaced by A.
Protein change: p.Gly21Ser; replaces glycine 21 with serine.
Molecular consequence: missense variant.
Genome position (GRCh38, 1-based): chr16:3,879,856, C>T on the plus strand (G>A on the coding strand, the complement: CREBBP is on the minus strand). VCF-style: chr16-3879856-C-T. GRCh37 (hg19) VCF-style: chr16-3929857-C-T.
Other names: c.61G>A, p.Gly21Ser (NM_001079846.1); c.61G>A (NM_004380.2); short protein forms G21S.
Identifiers: ClinVar variation 2815334 (VCV002815334.4), dbSNP rs2141616123, ClinGen allele CA394567775.